The following is an entry in ClinVar:

NM_001372.4(DNAH9):c.3678G>T (p.Arg1226Ser)

Gene: DNAH9 (dynein axonemal heavy chain 9; plus strand). Cytogenetic location: 17p12.
Variant type: single nucleotide variant.
Coding change: c.3678G>T on transcript NM_001372.4 (MANE Select); coding-DNA position 3678, G replaced by T.
Protein change: p.Arg1226Ser; replaces arginine 1226 with serine.
Molecular consequence: missense variant.
Genome position (GRCh38, 1-based): chr17:11,680,824, G>T. VCF-style: chr17-11680824-G-T. GRCh37 (hg19) VCF-style: chr17-11584141-G-T.
Other names: short protein forms R1226S.
Identifiers: ClinVar variation 1968146 (VCV001968146.5), dbSNP rs754314033, ClinGen allele CA398184810.
Genomic context (GRCh38, chr17:11,680,824, plus strand): 5'-TACTGTGAAGCAGCAGGTGGCCCCACTGCAGGCAAATGAAGTGACACTCCTCCGCCAGAG[G>T]TGCACAGCCTTCGATGCAGAACAGCAGCAATTCTGGGAGCAATTCCACAAAGAAGCCCCG-3'
Protein context (NP_001363.2, residues 1216-1236): QANEVTLLRQ[Arg1226Ser]CTAFDAEQQQ

ClinVar aggregate classification (germline): Uncertain significance (1 of 4 stars; one submission).

Allele frequency attached by ClinVar (database versions not stated): gnomAD 0.00001.
gnomAD v4.1: 4 of 1,613,776 alleles (0.00025%); highest among the groups gnomAD compares: Admixed American, 0.0067%; no homozygotes.

Submission:

Labcorp Genetics (formerly Invitae), Labcorp
Classification: Uncertain significance. Last evaluated: 2022-06-13. Review status: criteria provided, single submitter. Criteria: Invitae Variant Classification Sherloc (09022015). Collection method: clinical testing. Allele origin: germline.
Comment: In summary, the available evidence is currently insufficient to determine the role of this variant in disease. Therefore, it has been classified as a Variant of Uncertain Significance. Algorithms developed to predict the effect of missense changes on protein structure and function (SIFT, PolyPhen-2, Align-GVGD) all suggest that this variant is likely to be tolerated. This variant has not been reported in the literature in individuals affected with DNAH9-related conditions. This variant is present in population databases (no rsID available, gnomAD 0.006%). This sequence change replaces arginine, which is basic and polar, with serine, which is neutral and polar, at codon 1226 of the DNAH9 protein (p.Arg1226Ser).